The following is an entry in ClinVar:

ClinVar aggregate classification (germline): Uncertain significance (1 of 4 stars; one submission).

Submission:

Labcorp Genetics (formerly Invitae), Labcorp
Classification: Uncertain significance. Last evaluated: 2021-09-14. Review status: criteria provided, single submitter. Criteria: Invitae Variant Classification Sherloc (09022015). Collection method: clinical testing. Allele origin: germline.
Comment: This sequence change replaces arginine with leucine at codon 948 of the INTS1 protein (p.Arg948Leu). The arginine residue is moderately conserved and there is a moderate physicochemical difference between arginine and leucine. This variant is not present in population databases (ExAC no frequency). This variant has not been reported in the literature in individuals affected with INTS1-related conditions. Algorithms developed to predict the effect of missense changes on protein structure and function (SIFT, PolyPhen-2, Align-GVGD) all suggest that this variant is likely to be tolerated. In summary, the available evidence is currently insufficient to determine the role of this variant in disease. Therefore, it has been classified as a Variant of Uncertain Significance.

NM_001080453.3(INTS1):c.2843G>T (p.Arg948Leu)

Gene: INTS1 (integrator complex subunit 1; minus strand). Cytogenetic location: 7p22.3.
Variant type: single nucleotide variant.
Coding change: c.2843G>T on transcript NM_001080453.3 (MANE Select); coding-DNA position 2843, G replaced by T.
Protein change: p.Arg948Leu; replaces arginine 948 with leucine.
Molecular consequence: missense variant.
Genome position (GRCh38, 1-based): chr7:1,486,758, C>A on the plus strand (G>T on the coding strand, the complement: INTS1 is on the minus strand). VCF-style: chr7-1486758-C-A. GRCh37 (hg19) VCF-style: chr7-1526394-C-A.
Other names: short protein forms R948L.
Identifiers: ClinVar variation 1474697 (VCV001474697.6), dbSNP rs756273762, ClinGen allele CA366589848.